The following is an entry in ClinVar:

ClinVar aggregate classification (germline): Uncertain significance (1 of 4 stars; one submission).

Conditions:
Adenylosuccinate lyase deficiency (ADSLD). Also called: ADSL DEFICIENCY. Identifiers: Orphanet 46, MedGen C0268126, MONDO:0007068, OMIM 103050.

Allele frequency attached by ClinVar (database versions not stated): TOPMed 0.00001.

Submission:

Labcorp Genetics (formerly Invitae), Labcorp
Classification: Uncertain significance for Adenylosuccinate lyase deficiency. Last evaluated: 2024-02-11. Review status: criteria provided, single submitter. Criteria: Invitae Variant Classification Sherloc (09022015). Collection method: clinical testing. Allele origin: germline.
Comment: This variant occurs in a non-coding region of the ADSL gene. It does not change the encoded amino acid sequence of the ADSL protein. This variant is not present in population databases (gnomAD no frequency). This variant has not been reported in the literature in individuals affected with ADSL-related conditions. Experimental studies and prediction algorithms are not available or were not evaluated, and the functional significance of this variant is currently unknown. In summary, the available evidence is currently insufficient to determine the role of this variant in disease. Therefore, it has been classified as a Variant of Uncertain Significance.

NC_000022.11:g.40345600A>G

Gene: ADSL (adenylosuccinate lyase; plus strand). Cytogenetic location: 22q13.1.
Variant type: single nucleotide variant.
Genome position: GRCh38 VCF-style: chr22-40345600-A-G. GRCh37 (hg19) VCF-style: chr22-40741604-A-G.
Identifiers: ClinVar variation 2100267 (VCV002100267.4), dbSNP rs1471151327, ClinGen allele CA753179543.